The following is an entry in ClinVar:

NM_000059.4(BRCA2):c.8479C>G (p.Pro2827Ala)

Gene: BRCA2 (BRCA2 DNA repair associated; plus strand). Cytogenetic location: 13q13.1.
Variant type: single nucleotide variant.
Coding change: c.8479C>G on transcript NM_000059.4 (MANE Select); coding-DNA position 8479, C replaced by G.
Protein change: p.Pro2827Ala; replaces proline 2827 with alanine.
Molecular consequence: missense variant.
Genome position (GRCh38, 1-based): chr13:32,370,549, C>G. VCF-style: chr13-32370549-C-G. GRCh37 (hg19) VCF-style: chr13-32944686-C-G.
Other names: short protein forms P2827A.
Identifiers: ClinVar variation 230287 (VCV000230287.16), dbSNP rs786202484, ClinGen allele CA10579789.

ClinVar aggregate classification (germline): Conflicting classifications of pathogenicity. Review status: criteria provided, conflicting classifications (1 of 4 stars). 3 submissions from 3 submitters: Uncertain significance (2); Likely benign (1). Last evaluated 2023-12-14.

Conditions:
Hereditary cancer-predisposing syndrome. Also called: Hereditary neoplastic syndrome; Hereditary Cancer Syndrome; Neoplastic Syndromes, Hereditary; Tumor predisposition. Identifiers: Orphanet 140162, MedGen C0027672, MeSH D009386, MONDO:0015356.
Hereditary breast ovarian cancer syndrome. Also called: Hereditary breast and ovarian cancer syndrome; Hereditary breast and ovarian cancer syndrome (HBOC); Breast and ovarian cancer; Hereditary breast and/or ovarian cancer syndrome; Hereditary breast and ovarian cancer; BRCA1- and BRCA2-Associated Hereditary Breast and Ovarian Cancer. Identifiers: Orphanet 145, MedGen C0677776, MeSH D061325, MONDO:0003582. Disease mechanism: loss of function.

Allele frequency attached by ClinVar (database versions not stated): gnomAD exomes below 0.00001.

Submissions (3):

Labcorp Genetics (formerly Invitae), Labcorp
Classification: Uncertain significance for Hereditary breast ovarian cancer syndrome. Last evaluated: 2023-12-14. Review status: criteria provided, single submitter. Criteria: Invitae Variant Classification Sherloc (09022015). Collection method: clinical testing. Allele origin: germline.
Comment: This sequence change replaces proline, which is neutral and non-polar, with alanine, which is neutral and non-polar, at codon 2827 of the BRCA2 protein (p.Pro2827Ala). This variant is present in population databases (no rsID available, gnomAD 0.0009%). This variant has not been reported in the literature in individuals affected with BRCA2-related conditions. ClinVar contains an entry for this variant (Variation ID: 230287). Advanced modeling of protein sequence and biophysical properties (such as structural, functional, and spatial information, amino acid conservation, physicochemical variation, residue mobility, and thermodynamic stability) performed at Invitae indicates that this missense variant is not expected to disrupt BRCA2 protein function with a negative predictive value of 95%. In summary, the available evidence is currently insufficient to determine the role of this variant in disease. Therefore, it has been classified as a Variant of Uncertain Significance.

Ambry Genetics
Classification: Likely benign for Hereditary cancer-predisposing syndrome. Last evaluated: 2022-01-14. Review status: criteria provided, single submitter. Criteria: Ambry Variant Classification Scheme 2023. Collection method: clinical testing. Allele origin: germline.

Color Diagnostics, LLC DBA Color Health
Classification: Uncertain significance for Hereditary cancer-predisposing syndrome. Last evaluated: 2019-05-31. Review status: criteria provided, single submitter. Criteria: ACMG Guidelines, 2015. Collection method: clinical testing. Allele origin: germline.

Literature cited by the submitters: PubMed 32444794 (cited by Ambry Genetics).